The following is an entry in ClinVar:

NM_000552.5(VWF):c.5192C>T (p.Ser1731Leu)

Gene: VWF (von Willebrand factor; minus strand). Cytogenetic location: 12p13.31.
Variant type: single nucleotide variant.
Coding change: c.5192C>T on transcript NM_000552.5 (MANE Select); coding-DNA position 5192, C replaced by T.
Protein change: p.Ser1731Leu; replaces serine 1731 with leucine.
Molecular consequence: missense variant.
Genome position (GRCh38, 1-based): chr12:6,016,635, G>A on the plus strand (C>T on the coding strand, the complement: VWF is on the minus strand). VCF-style: chr12-6016635-G-A. GRCh37 (hg19) VCF-style: chr12-6125801-G-A.
Other names: short protein forms S1731L.
Identifiers: ClinVar variation 1684013 (VCV001684013.2), dbSNP rs764077750, ClinGen allele CA6402352.
Genomic context (GRCh38, chr12:6,016,635, plus strand): 5'-TTCTCCGGGACCACGTTCCATGGCACGTCAATGGTGGTGATGCTTCCATACTGCAGCACT[G>A]ACACCTGAGTGAGACGAGGCCCTAAACGGAACGAGAAAATGCGGATTATTTTGAATCAAG-3'
Protein context (NP_000543.3, residues 1721-1741): ANIGPRLTQV[Ser1731Leu]VLQYGSITTI

ClinVar aggregate classification (germline): Uncertain significance. Review status: criteria provided, single submitter (1 of 4 stars). 2 submissions from 2 submitters: Uncertain significance (1). 1 of the submissions does not count toward it. Last evaluated 2025-04-07.

Conditions:
von Willebrand disease type 2 (VWD2). Also called: VON WILLEBRAND DISEASE, TYPE II; VWD, TYPE 2; VON WILLEBRAND DISEASE, TYPE 2A/IIE; VON WILLEBRAND DISEASE, TYPE 2CB. Identifiers: Orphanet 166081, Orphanet 903, MedGen C1264040, MONDO:0013304, OMIM 613554.

Allele frequency attached by ClinVar (database versions not stated): gnomAD 0.00002 and 0.00001; ExAC 0.00002; gnomAD exomes below 0.00001 and 0.00001; TOPMed 0.00002.
gnomAD v4.1: 10 of 1,614,092 alleles (0.00062%); highest among the groups gnomAD compares: Non-Finnish European, 0.00085%; no homozygotes.

Submissions (2):

ARUP Laboratories, Molecular Genetics and Genomics, ARUP Laboratories
Classification: Uncertain significance. Last evaluated: 2025-04-07. Review status: criteria provided, single submitter. Criteria: ARUP Molecular Germline Variant Investigation Process 2024. Collection method: clinical testing. Allele origin: germline.
Comment: The VWF c.5192C>T; p.Ser1731Leu variant (rs764077750, ClinVar Variation ID: 1684013) is reported in the literature in individuals with suspected von Willebrand disease type 2M (Fels 2023, Seidizadeh 2022). Additionally, these individuals had normal VWF activity and antigen levels but reduced collagen binding (Fels 2023, Seidizadeh 2022). This variant is only observed on three alleles in the Genome Aggregation Database (v2.1.1), indicating it is not a common polymorphism. Computational analyses predict that this variant is deleterious (REVEL: 0.741). Due to limited information, the clinical significance of this variant is uncertain at this time. References: Fels S et al. Novel Likely Pathogenic Variant in the A3 Domain of von Willebrand Factor Leading to a Collagen-Binding Defect. Hamostaseologie. 2023 Apr;43(2):122-125. PMID: 35104900. Seidizadeh O et al. Phenotypic and genetic characterizations of the Milan cohort of von Willebrand disease type 2. Blood Adv. 2022 Jul 12;6(13):4031-4040. PMID: 35452508.

Angelo Bianchi Bonomi Hemophilia and Thrombosis Center, Fondazione IRCCS Ca Granda Ospedale Maggiore Policlinico
Classification: Uncertain significance for von Willebrand disease type 2. Last evaluated: 2022-04-26. Review status: no assertion criteria provided. Collection method: clinical testing. Allele origin: germline. Affected: yes. Not counted in ClinVar's aggregate classification.